The following is an entry in ClinVar:

ClinVar aggregate classification (germline): Conflicting classifications of pathogenicity. Review status: criteria provided, conflicting classifications (1 of 4 stars). 3 submissions from 3 submitters: Likely pathogenic (1); Uncertain significance (2). Last evaluated 2022-11-17.

Conditions:
MAK-related disorders.
Inborn genetic diseases. Identifiers: MedGen C0950123, MeSH D030342.

Allele frequency attached by ClinVar (database versions not stated): gnomAD exomes below 0.00001 and 0.00004; TOPMed below 0.00001.
gnomAD v4.1: 55 of 1,613,854 alleles (0.0034%); highest among the groups gnomAD compares: Non-Finnish European, 0.0045%; no homozygotes.

Submissions (3):

Ambry Genetics
Classification: Uncertain significance for Inborn genetic diseases. Last evaluated: 2022-11-17. Review status: criteria provided, single submitter. Criteria: Ambry Variant Classification Scheme 2023. Collection method: clinical testing. Allele origin: germline.

Labcorp Genetics (formerly Invitae), Labcorp
Classification: Uncertain significance. Last evaluated: 2022-08-22. Review status: criteria provided, single submitter. Criteria: Invitae Variant Classification Sherloc (09022015). Collection method: clinical testing. Allele origin: germline.
Comment: This sequence change replaces glycine with glutamic acid at codon 187 of the MAK protein (p.Gly187Glu). The glycine residue is highly conserved and there is a moderate physicochemical difference between glycine and glutamic acid. This variant is present in population databases (no rsID available, gnomAD 0.0009%). This variant has not been reported in the literature in individuals affected with MAK-related conditions. ClinVar contains an entry for this variant (Variation ID: 1522631). Advanced modeling of protein sequence and biophysical properties (such as structural, functional, and spatial information, amino acid conservation, physicochemical variation, residue mobility, and thermodynamic stability) performed at Invitae indicates that this missense variant is expected to disrupt MAK protein function. In summary, the available evidence is currently insufficient to determine the role of this variant in disease. Therefore, it has been classified as a Variant of Uncertain Significance.

Blueprint Genetics
Classification: Likely pathogenic for MAK-related disorders. Last evaluated: 2019-10-25. Review status: criteria provided, single submitter. Criteria: ACMG Guidelines, 2015. Collection method: clinical testing. Allele origin: germline. Affected: yes. Observed: 3 variant alleles.

NM_001242957.3(MAK):c.560G>A (p.Gly187Glu)

Gene: MAK (male germ cell associated kinase; minus strand). Cytogenetic location: 6p24.2.
Variant type: single nucleotide variant.
Coding change: c.560G>A on transcript NM_001242957.3 (MANE Select); coding-DNA position 560, G replaced by A.
Protein change: p.Gly187Glu; replaces glycine 187 with glutamic acid.
Molecular consequence: missense variant. On other transcripts: non-coding transcript variant (2).
Genome position (GRCh38, 1-based): chr6:10,803,823, C>T on the plus strand (G>A on the coding strand, the complement: MAK is on the minus strand). VCF-style: chr6-10803823-C-T. GRCh37 (hg19) VCF-style: chr6-10804056-C-T.
Other names: c.560G>A (NM_005906.4); c.560G>A, p.Gly187Glu (NM_001242385.2, NM_005906.6); c.458G>A, p.Gly153Glu (NM_001377262.1); short protein forms G187E, G153E.
Identifiers: ClinVar variation 1522631 (VCV001522631.5), dbSNP rs932606197, ClinGen allele CA134120122.